The following is an entry in ClinVar:

ClinVar aggregate classification (germline): Uncertain significance (1 of 4 stars; one submission).

Conditions:
Hereditary pheochromocytoma and paraganglioma. Also called: Hereditary pheochromocytoma-paraganglioma; Hereditary Paraganglioma-Pheochromocytoma Syndromes; Hereditary paragangliomas and pheochromocytomas. Identifiers: Orphanet 29072, MedGen C4274332, MONDO:0017366.

Submission:

Labcorp Genetics (formerly Invitae), Labcorp
Classification: Uncertain significance for Hereditary pheochromocytoma and paraganglioma. Last evaluated: 2025-12-23. Review status: criteria provided, single submitter. Criteria: Invitae Variant Classification Sherloc (09022015). Collection method: clinical testing. Allele origin: germline.
Comment: This sequence change replaces histidine, which is basic and polar, with arginine, which is basic and polar, at codon 76 of the TMEM127 protein (p.His76Arg). This variant is not present in population databases (gnomAD no frequency). This variant has not been reported in the literature in individuals affected with TMEM127-related conditions. An algorithm developed to predict the effect of missense changes on protein structure and function (PolyPhen-2) suggests that this variant is likely to be tolerated. In summary, the available evidence is currently insufficient to determine the role of this variant in disease. Therefore, it has been classified as a Variant of Uncertain Significance.

NM_017849.4(TMEM127):c.227A>G (p.His76Arg)

Gene: TMEM127 (transmembrane protein 127; minus strand). Cytogenetic location: 2q11.2.
Variant type: single nucleotide variant.
Coding change: c.227A>G on transcript NM_017849.4 (MANE Select); coding-DNA position 227, A replaced by G.
Protein change: p.His76Arg; replaces histidine 76 with arginine.
Molecular consequence: missense variant. On other transcripts: intron variant (1).
Genome position (GRCh38, 1-based): chr2:96,265,155, T>C on the plus strand (A>G on the coding strand, the complement: TMEM127 is on the minus strand). VCF-style: chr2-96265155-T-C. GRCh37 (hg19) VCF-style: chr2-96930893-T-C.
Other names: c.227A>G, p.His76Arg (NM_001193304.3); c.-9+714A>G (NM_001407283.1); short protein forms H76R.
Identifiers: ClinVar variation 4733966 (VCV004733966.1).